The following is an entry in ClinVar:

NM_003072.5(SMARCA4):c.2363A>G (p.Gln788Arg)

Gene: SMARCA4 (SWI/SNF related BAF chromatin remodeling complex subunit ATPase 4; plus strand). Cytogenetic location: 19p13.2.
Variant type: single nucleotide variant.
Coding change: c.2363A>G on transcript NM_003072.5 (MANE Select); coding-DNA position 2363, A replaced by G.
Protein change: p.Gln788Arg; replaces glutamine 788 with arginine.
Molecular consequence: missense variant. On other transcripts: non-coding transcript variant (1).
Genome position (GRCh38, 1-based): chr19:11,013,037, A>G. VCF-style: chr19-11013037-A-G. GRCh37 (hg19) VCF-style: chr19-11123713-A-G.
Other names: c.2363A>G (NM_001128849.1); c.2363A>G, p.Gln788Arg (NM_001128844.3, NM_001128845.2, NM_001128846.2 and 6 more transcripts); short protein forms Q788R.
Identifiers: ClinVar variation 1721322 (VCV001721322.6), dbSNP rs2146279446, ClinGen allele CA404053196.

ClinVar aggregate classification (germline): Uncertain significance. Review status: criteria provided, multiple submitters, no conflicts (2 of 4 stars). 2 submissions from 2 submitters: Uncertain significance (2). Last evaluated 2025-07-03.

Conditions:
Hereditary cancer-predisposing syndrome. Also called: Hereditary neoplastic syndrome; Neoplastic Syndromes, Hereditary; Hereditary Cancer Syndrome; Tumor predisposition. Identifiers: Orphanet 140162, MedGen C0027672, MeSH D009386, MONDO:0015356.
Rhabdoid tumor predisposition syndrome 2 (RTPS2). Identifiers: Orphanet 231108, Orphanet 69077, MedGen C2750074, MONDO:0013224, OMIM 613325.

Submissions (2):

Ambry Genetics
Classification: Uncertain significance for Hereditary cancer-predisposing syndrome. Last evaluated: 2025-07-03. Review status: criteria provided, single submitter. Criteria: Ambry Variant Classification Scheme 2023. Collection method: clinical testing. Allele origin: germline.
Comment: The p.Q788R variant (also known as c.2363A>G), located in coding exon 15 of the SMARCA4 gene, results from an A to G substitution at nucleotide position 2363. The glutamine at codon 788 is replaced by arginine, an amino acid with highly similar properties. This amino acid position is highly conserved in available vertebrate species. In addition, this alteration is predicted to be deleterious by in silico analysis. Based on the available evidence, the clinical significance of this variant remains unclear.

Labcorp Genetics (formerly Invitae), Labcorp
Classification: Uncertain significance for Rhabdoid tumor predisposition syndrome 2. Last evaluated: 2022-11-07. Review status: criteria provided, single submitter. Criteria: Invitae Variant Classification Sherloc (09022015). Collection method: clinical testing. Allele origin: germline.
Comment: This variant has not been reported in the literature in individuals affected with SMARCA4-related conditions. In summary, the available evidence is currently insufficient to determine the role of this variant in disease. Therefore, it has been classified as a Variant of Uncertain Significance. Advanced modeling of protein sequence and biophysical properties (such as structural, functional, and spatial information, amino acid conservation, physicochemical variation, residue mobility, and thermodynamic stability) performed at Invitae indicates that this missense variant is expected to disrupt SMARCA4 protein function. This variant is not present in population databases (gnomAD no frequency). This sequence change replaces glutamine, which is neutral and polar, with arginine, which is basic and polar, at codon 788 of the SMARCA4 protein (p.Gln788Arg).